The following is an entry in ClinVar:

ClinVar aggregate classification (germline): Conflicting classifications of pathogenicity. Review status: criteria provided, conflicting classifications (1 of 4 stars). 2 submissions from 2 submitters: Uncertain significance (1); Likely benign (1). Last evaluated 2025-12-15.

Conditions:
Cardiovascular phenotype. Identifiers: MedGen CN230736.

Allele frequency attached by ClinVar (database versions not stated): gnomAD 0.00001; gnomAD exomes 0.00001 and 0.00002; TOPMed 0.00001.
gnomAD v4.1: 15 of 1,611,078 alleles (0.00093%); highest among the groups gnomAD compares: African/African-American, 0.004%; no homozygotes.

Submissions (2):

Labcorp Genetics (formerly Invitae), Labcorp
Classification: Uncertain significance. Last evaluated: 2025-12-15. Review status: criteria provided, single submitter. Criteria: Invitae Variant Classification Sherloc (09022015). Collection method: clinical testing. Allele origin: germline.
Comment: This sequence change affects codon 1524 of the ALPK3 mRNA. It is a 'silent' change, meaning that it does not change the encoded amino acid sequence of the ALPK3 protein. It affects a nucleotide within the consensus splice site. This variant is present in population databases (rs764601903, gnomAD 0.006%). This variant has not been reported in the literature in individuals affected with ALPK3-related conditions. ClinVar contains an entry for this variant (Variation ID: 1514504). Algorithms developed to predict the effect of sequence changes on RNA splicing suggest that this variant is not likely to affect RNA splicing. In summary, the available evidence is currently insufficient to determine the role of this variant in disease. Therefore, it has been classified as a Variant of Uncertain Significance.

Ambry Genetics
Classification: Likely benign for Cardiovascular phenotype. Last evaluated: 2021-01-04. Review status: criteria provided, single submitter. Criteria: Ambry Variant Classification Scheme 2023. Collection method: clinical testing. Allele origin: germline.

NM_020778.5(ALPK3):c.3966C>T (p.Ser1322=)

Gene: ALPK3 (alpha kinase 3; plus strand). Cytogenetic location: 15q25.3.
Variant type: single nucleotide variant.
Coding change: c.3966C>T on transcript NM_020778.5 (MANE Select); coding-DNA position 3966, C replaced by T.
Protein change: p.Ser1322=; no amino-acid change (serine 1322 retained).
Molecular consequence: synonymous variant.
Genome position (GRCh38, 1-based): chr15:84,859,776, C>T. VCF-style: chr15-84859776-C-T. GRCh37 (hg19) VCF-style: chr15-85403007-C-T.
Identifiers: ClinVar variation 1514504 (VCV001514504.8), dbSNP rs764601903, ClinGen allele CA7709796.